The following is an entry in ClinVar:

ClinVar aggregate classification (germline): Uncertain significance (1 of 4 stars; one submission).

gnomAD v4.1: 29 of 1,614,050 alleles (0.0018%); highest among the groups gnomAD compares: African/African-American, 0.0027%; no homozygotes.

Submission:

Labcorp Genetics (formerly Invitae), Labcorp
Classification: Uncertain significance. Last evaluated: 2024-02-25. Review status: criteria provided, single submitter. Criteria: Invitae Variant Classification Sherloc (09022015). Collection method: clinical testing. Allele origin: germline.
Comment: This sequence change replaces lysine, which is basic and polar, with glutamic acid, which is acidic and polar, at codon 776 of the CENPJ protein (p.Lys776Glu). This variant is present in population databases (rs780408543, gnomAD 0.002%). This variant has not been reported in the literature in individuals affected with CENPJ-related conditions. Advanced modeling of protein sequence and biophysical properties (such as structural, functional, and spatial information, amino acid conservation, physicochemical variation, residue mobility, and thermodynamic stability) performed at Invitae indicates that this missense variant is not expected to disrupt CENPJ protein function with a negative predictive value of 80%. In summary, the available evidence is currently insufficient to determine the role of this variant in disease. Therefore, it has been classified as a Variant of Uncertain Significance.

NM_018451.5(CPAP):c.2326A>G (p.Lys776Glu)

Gene: CPAP (centrosome assembly and centriole elongation protein; minus strand). Cytogenetic location: 13q12.13.
Variant type: single nucleotide variant.
Coding change: c.2326A>G on transcript NM_018451.5 (MANE Select); coding-DNA position 2326, A replaced by G.
Protein change: p.Lys776Glu; replaces lysine 776 with glutamic acid.
Molecular consequence: missense variant. On other transcripts: non-coding transcript variant (2).
Genome position (GRCh38, 1-based): chr13:24,905,712, T>C on the plus strand (A>G on the coding strand, the complement: CPAP is on the minus strand). VCF-style: chr13-24905712-T-C. GRCh37 (hg19) VCF-style: chr13-25479850-T-C.
Other names: short protein forms K776E.
Identifiers: ClinVar variation 3620239 (VCV003620239.2).